The following is an entry in ClinVar:

NM_025132.4(WDR19):c.404T>C (p.Leu135Pro)

Gene: WDR19 (WD repeat domain 19; plus strand). Cytogenetic location: 4p14.
Variant type: single nucleotide variant.
Coding change: c.404T>C on transcript NM_025132.4 (MANE Select); coding-DNA position 404, T replaced by C.
Protein change: p.Leu135Pro; replaces leucine 135 with proline.
Molecular consequence: missense variant. On other transcripts: intron variant (1).
Genome position (GRCh38, 1-based): chr4:39,194,657, T>C. VCF-style: chr4-39194657-T-C. GRCh37 (hg19) VCF-style: chr4-39196277-T-C.
Other names: c.-74-4821T>C (NM_001317924.2); short protein forms L135P.
Identifiers: ClinVar variation 1446071 (VCV001446071.7), dbSNP rs1361187656, ClinGen allele CA356631917.

ClinVar aggregate classification (germline): Uncertain significance. Review status: criteria provided, multiple submitters, no conflicts (2 of 4 stars). 2 submissions from 2 submitters: Uncertain significance (2). Last evaluated 2024-06-11.

Conditions:
Asphyxiating thoracic dystrophy 5 (SRTD5). Also called: SHORT-RIB THORACIC DYSPLASIA 5 WITH OR WITHOUT POLYDACTYLY; SHORT-RIB THORACIC DYSPLASIA 5 WITHOUT POLYDACTYLY. Identifiers: Orphanet 474, MedGen C3280598, MONDO:0013717, OMIM 614376.
Nephronophthisis 13 (NPHP13). Identifiers: Orphanet 655, MedGen C3280612, MONDO:0013718, OMIM 614377.
Cranioectodermal dysplasia 4 (CED4). Identifiers: Orphanet 1515, MedGen C3280616, MONDO:0013719, OMIM 614378.
Spermatogenic failure 72 (SPGF72). Identifiers: MedGen C5676980, MONDO:0030809, OMIM 619867.
Senior-Loken syndrome 8 (SLSN8). Identifiers: Orphanet 3156, MedGen C4225376, MONDO:0014579, OMIM 616307.

Allele frequency attached by ClinVar (database versions not stated): gnomAD exomes below 0.00001 and 0.00001; TOPMed below 0.00001; gnomAD 0.00001.
gnomAD v4.1: 13 of 1,598,204 alleles (0.00081%); highest among the groups gnomAD compares: African/African-American, 0.0013%; no homozygotes.

Submissions (2):

Fulgent Genetics
Classification: Uncertain significance for Asphyxiating thoracic dystrophy 5; Nephronophthisis 13; Cranioectodermal dysplasia 4; Senior-Loken syndrome 8; Spermatogenic failure 72. Last evaluated: 2024-06-11. Review status: criteria provided, single submitter. Criteria: ACMG Guidelines, 2015. Collection method: clinical testing. Allele origin: germline.

Labcorp Genetics (formerly Invitae), Labcorp
Classification: Uncertain significance for Senior-Loken syndrome 8; Asphyxiating thoracic dystrophy 5. Last evaluated: 2022-06-27. Review status: criteria provided, single submitter. Criteria: Invitae Variant Classification Sherloc (09022015). Collection method: clinical testing. Allele origin: germline.
Comment: In summary, the available evidence is currently insufficient to determine the role of this variant in disease. Therefore, it has been classified as a Variant of Uncertain Significance. Algorithms developed to predict the effect of missense changes on protein structure and function (SIFT, PolyPhen-2, Align-GVGD) all suggest that this variant is likely to be disruptive. This variant has not been reported in the literature in individuals affected with WDR19-related conditions. The frequency data for this variant in the population databases is considered unreliable, as metrics indicate poor data quality at this position in the gnomAD database. This sequence change replaces leucine, which is neutral and non-polar, with proline, which is neutral and non-polar, at codon 135 of the WDR19 protein (p.Leu135Pro).